The following is an entry in ClinVar:

ClinVar aggregate classification (germline): Uncertain significance. Review status: criteria provided, multiple submitters, no conflicts (2 of 4 stars). 2 submissions from 2 submitters: Uncertain significance (2). Last evaluated 2024-06-18.

Conditions:
Pierpont syndrome (PRPTS). Identifiers: Orphanet 487825, MedGen C1865644, MONDO:0011213, OMIM 602342.
Inborn genetic diseases. Identifiers: MedGen C0950123, MeSH D030342.

gnomAD v4.1: 1 of 1,601,898 alleles (0.000062%); highest among the groups gnomAD compares: Non-Finnish European, 0.000085%; no homozygotes.

Submissions (2):

Ambry Genetics
Classification: Uncertain significance for Inborn genetic diseases. Last evaluated: 2024-06-18. Review status: criteria provided, single submitter. Criteria: Ambry Variant Classification Scheme 2023. Collection method: clinical testing. Allele origin: germline.
Comment: The c.1240A>C (p.M414L) alteration is located in exon 13 (coding exon 11) of the TBL1XR1 gene. This alteration results from a A to C substitution at nucleotide position 1240, causing the methionine (M) at amino acid position 414 to be replaced by a leucine (L). This variant was not reported in population-based cohorts in the Genome Aggregation Database (gnomAD). This amino acid position is highly conserved in available vertebrate species. This missense alteration is located in a region that has a low rate of benign missense variation (Lek, 2016; Firth, 2009). The in silico prediction for this alteration is inconclusive. Based on insufficient or conflicting evidence, the clinical significance of this alteration remains unclear.

Labcorp Genetics (formerly Invitae), Labcorp
Classification: Uncertain significance for Pierpont syndrome. Last evaluated: 2024-04-17. Review status: criteria provided, single submitter. Criteria: Invitae Variant Classification Sherloc (09022015). Collection method: clinical testing. Allele origin: germline.
Comment: This sequence change replaces methionine, which is neutral and non-polar, with leucine, which is neutral and non-polar, at codon 414 of the TBL1XR1 protein (p.Met414Leu). This variant is not present in population databases (gnomAD no frequency). This variant has not been reported in the literature in individuals affected with TBL1XR1-related conditions. ClinVar contains an entry for this variant (Variation ID: 2118460). Advanced modeling of protein sequence and biophysical properties (such as structural, functional, and spatial information, amino acid conservation, physicochemical variation, residue mobility, and thermodynamic stability) performed at Invitae indicates that this missense variant is not expected to disrupt TBL1XR1 protein function with a negative predictive value of 95%. In summary, the available evidence is currently insufficient to determine the role of this variant in disease. Therefore, it has been classified as a Variant of Uncertain Significance.

NM_024665.7(TBL1XR1):c.1240A>C (p.Met414Leu)

Gene: TBL1XR1 (TBL1X/Y related 1; minus strand). Cytogenetic location: 3q26.32.
Variant type: single nucleotide variant.
Coding change: c.1240A>C on transcript NM_024665.7 (MANE Select); coding-DNA position 1240, A replaced by C.
Protein change: p.Met414Leu; replaces methionine 414 with leucine.
Molecular consequence: missense variant.
Genome position (GRCh38, 1-based): chr3:177,034,208, T>G on the plus strand (A>C on the coding strand, the complement: TBL1XR1 is on the minus strand). VCF-style: chr3-177034208-T-G. GRCh37 (hg19) VCF-style: chr3-176751996-T-G.
Other names: c.1240A>C (NM_024665.4); c.1240A>C, p.Met414Leu (NM_001321193.3, NM_001321194.3, NM_001374327.1 and 2 more transcripts); c.979A>C, p.Met327Leu (NM_001321195.3, NM_001374330.1); short protein forms M414L, M327L.
Identifiers: ClinVar variation 2118460 (VCV002118460.5), dbSNP rs2473602544, ClinGen allele CA355554592.